The following is an entry in ClinVar:

ClinVar aggregate classification (germline): Pathogenic (1 of 4 stars; one submission).

Conditions:
Ornithine aminotransferase deficiency (GACR). Also called: Ornithine ketoacid aminotransferase deficiency; Gyrate atrophy; Gyrate atrophy of choroid and retina; Girate atrophy of the retina; HYPERORNITHINEMIA WITH GYRATE ATROPHY OF CHOROID AND RETINA; OKT DEFICIENCY. Identifiers: Orphanet 414, MedGen C0018425, MONDO:0009796, OMIM 258870.

Submission:

Labcorp Genetics (formerly Invitae), Labcorp
Classification: Pathogenic for Ornithine aminotransferase deficiency. Last evaluated: 2023-05-22. Review status: criteria provided, single submitter. Criteria: Invitae Variant Classification Sherloc (09022015). Collection method: clinical testing. Allele origin: germline.
Comment: This variant has not been reported in the literature in individuals affected with OAT-related conditions. For these reasons, this variant has been classified as Pathogenic. This variant disrupts a region of the OAT protein in which other variant(s) (p.Arg398*) have been determined to be pathogenic (PMID: 7887415, 23076989). This suggests that this is a clinically significant region of the protein, and that variants that disrupt it are likely to be disease-causing. ClinVar contains an entry for this variant (Variation ID: 2077266). This variant is not present in population databases (gnomAD no frequency). This sequence change creates a premature translational stop signal (p.Trp388*) in the OAT gene. While this is not anticipated to result in nonsense mediated decay, it is expected to disrupt the last 52 amino acid(s) of the OAT protein.

Literature cited by the submitters: PubMed 7887415; PubMed 23076989.

NM_000274.4(OAT):c.1164G>A (p.Trp388Ter)

Gene: OAT (ornithine aminotransferase; minus strand). Cytogenetic location: 10q26.13.
Variant type: single nucleotide variant.
Coding change: c.1164G>A on transcript NM_000274.4 (MANE Select); coding-DNA position 1164, G replaced by A.
Protein change: p.Trp388Ter; replaces tryptophan 388 with a stop codon.
Molecular consequence: nonsense.
Genome position (GRCh38, 1-based): chr10:124,398,098, C>T on the plus strand (G>A on the coding strand, the complement: OAT is on the minus strand). VCF-style: chr10-124398098-C-T. GRCh37 (hg19) VCF-style: chr10-126086667-C-T.
Other names: c.750G>A, p.Trp250Ter (NM_001171814.2); c.1164G>A, p.Trp388Ter (NM_001322965.2, NM_001322966.2, NM_001322967.2 and 3 more transcripts); c.843G>A, p.Trp281Ter (NM_001322971.2); c.564G>A, p.Trp188Ter (NM_001322974.2); short protein forms W188*, W388*, W250*, W281*.
Identifiers: ClinVar variation 2077266 (VCV002077266.4), dbSNP rs2494428598, ClinGen allele CA378633271.
Genomic context (GRCh38, chr10:124,398,098, plus strand): 5'-ATGGGTTGGCTTGGCCAGAAGTCCATTATCTCGAAGTCGTAGACACACCTTCCAAGCATC[C>T]CAATCTAAAGAAAAATAGTAAAACGTACATGCTCAAAGATAAACGTTTAAACATCCCTTG-3'